The following is an entry in ClinVar:

NM_006662.3(SRCAP):c.5179A>G (p.Thr1727Ala)

Gene: SRCAP (Snf2 related CREBBP activator protein; plus strand). Cytogenetic location: 16p11.2.
Variant type: single nucleotide variant.
Coding change: c.5179A>G on transcript NM_006662.3 (MANE Select); coding-DNA position 5179, A replaced by G.
Protein change: p.Thr1727Ala; replaces threonine 1727 with alanine.
Molecular consequence: missense variant.
Genome position (GRCh38, 1-based): chr16:30,724,603, A>G. VCF-style: chr16-30724603-A-G. GRCh37 (hg19) VCF-style: chr16-30735924-A-G.
Other names: short protein forms T1727A.
Identifiers: ClinVar variation 3322573 (VCV003322573.4).
Genomic context (GRCh38, chr16:30,724,603, plus strand): 5'-CCCCAGGGACCCTTTCCAACTCAGACATTGTCATTAACTCCAGCATCATCCCTGGTACCA[A>G]CTCCAGCCCAGACACTGTCTTTGGCACCAGGACCACCACTGGGTCCAACTCAGACGCTGT-3'
Protein context (NP_006653.2, residues 1717-1737): SLTPASSLVP[Thr1727Ala]PAQTLSLAPG

ClinVar aggregate classification (germline): Conflicting classifications of pathogenicity. Review status: criteria provided, conflicting classifications (1 of 4 stars). 3 submissions from 3 submitters: Uncertain significance (2); Likely benign (1). Last evaluated 2025-07-12.

Conditions:
Inborn genetic diseases. Identifiers: MedGen C0950123, MeSH D030342.
SRCAP-related disorder. Also called: SRCAP-related condition.

gnomAD v4.1: 12 of 1,613,140 alleles (0.00074%); highest among the groups gnomAD compares: Admixed American, 0.005%; no homozygotes.

Submissions (3):

PreventionGenetics, part of Exact Sciences
Classification: Uncertain significance for SRCAP-related condition. Last evaluated: 2025-07-12. Review status: criteria provided, single submitter. Criteria: ACMG Guidelines, 2015. Collection method: clinical testing. Allele origin: germline.
Comment: The SRCAP c.5179A>G variant is predicted to result in the amino acid substitution p.Thr1727Ala. To our knowledge, this variant has not been reported in the literature. This variant is reported in 0.0087% of alleles in individuals of Latino descent in gnomAD. At this time, the clinical significance of this variant is uncertain due to the absence of conclusive functional and genetic evidence.

Labcorp Genetics (formerly Invitae), Labcorp
Classification: Uncertain significance. Last evaluated: 2024-07-20. Review status: criteria provided, single submitter. Criteria: Invitae Variant Classification Sherloc (09022015). Collection method: clinical testing. Allele origin: germline.
Comment: This sequence change replaces threonine, which is neutral and polar, with alanine, which is neutral and non-polar, at codon 1727 of the SRCAP protein (p.Thr1727Ala). This variant is present in population databases (rs750364979, gnomAD 0.009%). This variant has not been reported in the literature in individuals affected with SRCAP-related conditions. Advanced modeling of protein sequence and biophysical properties (such as structural, functional, and spatial information, amino acid conservation, physicochemical variation, residue mobility, and thermodynamic stability) performed at Invitae indicates that this missense variant is not expected to disrupt SRCAP protein function with a negative predictive value of 80%. In summary, the available evidence is currently insufficient to determine the role of this variant in disease. Therefore, it has been classified as a Variant of Uncertain Significance.

Ambry Genetics
Classification: Likely benign for Inborn genetic diseases. Last evaluated: 2024-04-19. Review status: criteria provided, single submitter. Criteria: Ambry Variant Classification Scheme 2023. Collection method: clinical testing. Allele origin: germline.